The following is an entry in ClinVar:

NM_001111067.4(ACVR1):c.-183+919A>G

Gene: ACVR1 (activin A receptor type 1; minus strand). Cytogenetic location: 2q24.1.
Variant type: single nucleotide variant.
Coding change: c.-183+919A>G on transcript NM_001111067.4 (MANE Select); 919 bases into the intron after 183 bases upstream of the start codon, A replaced by G.
Molecular consequence: intron variant. On other transcripts: 5 prime UTR variant (1).
Genome position (GRCh38, 1-based): chr2:157,874,877, T>C on the plus strand (A>G on the coding strand, the complement: ACVR1 is on the minus strand). VCF-style: chr2-157874877-T-C. GRCh37 (hg19) VCF-style: chr2-158731389-T-C.
Other names: c.-196A>G (NM_001105.5); c.-270+919A>G (NM_001347665.1); c.-302+919A>G (NM_001347664.1); c.-330+919A>G (NM_001347666.1); c.-183+865A>G (NM_001347663.1).
Identifiers: ClinVar variation 331703 (VCV000331703.5), dbSNP rs374473767, ClinGen allele CA10611452.

ClinVar aggregate classification (germline): Benign (1 of 4 stars; one submission).

Conditions:
Progressive myositis ossificans (FOP). Also called: Myositis ossificans progressiva; Progressive ossifying myositis; Fibrodysplasia Ossificans Progressiva. Identifiers: Orphanet 337, MedGen C0016037, MONDO:0007606, OMIM 135100.

Allele frequency attached by ClinVar (database versions not stated): gnomAD 0.00037 and 0.00003; 1000 Genomes Project 30x 0.00281; 1000 Genomes Project 0.00319; TOPMed 0.00007.

Submission:

Illumina Laboratory Services, Illumina
Classification: Benign for Progressive myositis ossificans. Last evaluated: 2018-01-12. Review status: criteria provided, single submitter. Criteria: ICSL Variant Classification Criteria 13 December 2019. Collection method: clinical testing. Allele origin: germline.
Comment: This variant was observed in the ICSL laboratory as part of a predisposition screen in an ostensibly healthy population. It had not been previously curated by ICSL or reported in the Human Gene Mutation Database (HGMD: prior to June 1st, 2018), and was therefore a candidate for classification through an automated scoring system. Utilizing variant allele frequency, disease prevalence and penetrance estimates, and inheritance mode, an automated score was calculated to assess if this variant is too frequent to cause the disease. Based on the score and internal cut-off values, a variant classified as benign is not then subjected to further curation. The score for this variant resulted in a classification of benign for this disease.